The following is an entry in ClinVar:

NM_017721.5(CC2D1A):c.606G>A (p.Ala202=)

Gene: CC2D1A (coiled-coil and C2 domain containing 1A; plus strand). Cytogenetic location: 19p13.12.
Variant type: single nucleotide variant.
Coding change: c.606G>A on transcript NM_017721.5 (MANE Select); coding-DNA position 606, G replaced by A.
Protein change: p.Ala202=; no amino-acid change (alanine 202 retained).
Molecular consequence: synonymous variant.
Genome position (GRCh38, 1-based): chr19:13,913,496, G>A. VCF-style: chr19-13913496-G-A. GRCh37 (hg19) VCF-style: chr19-14024309-G-A.
Other names: c.606G>A, p.Ala202= (NM_001411138.1); c.606G>A (NM_017721.4).
Identifiers: ClinVar variation 2831984 (VCV002831984.5), dbSNP rs557346390, ClinGen allele CA9244354.

ClinVar aggregate classification (germline): Likely benign. Review status: criteria provided, single submitter (1 of 4 stars). 2 submissions from 2 submitters: Likely benign (1). 1 of the submissions does not count toward it. Last evaluated 2024-01-19.

Conditions:
CC2D1A-related disorder. Also called: CC2D1A-related condition.

Allele frequency attached by ClinVar (database versions not stated): ExAC 0.00001; TOPMed 0.00005; gnomAD 0.00006; 1000 Genomes Project 30x 0.00016; 1000 Genomes Project 0.00020.
gnomAD v4.1: 17 of 1,614,176 alleles (0.0011%); highest among the groups gnomAD compares: African/African-American, 0.017%; no homozygotes.

Submissions (2):

Labcorp Genetics (formerly Invitae), Labcorp
Classification: Likely benign. Last evaluated: 2024-01-19. Review status: criteria provided, single submitter. Criteria: Invitae Variant Classification Sherloc (09022015). Collection method: clinical testing. Allele origin: germline.

PreventionGenetics, part of Exact Sciences
Classification: Likely benign for CC2D1A-related condition. Last evaluated: 2019-12-18. Review status: no assertion criteria provided. Collection method: clinical testing. Allele origin: germline. Not counted in ClinVar's aggregate classification.
Comment: This variant is classified as likely benign based on ACMG/AMP sequence variant interpretation guidelines (Richards et al. 2015 PMID: 25741868, with internal and published modifications).